The following is an entry in ClinVar:

NM_000257.4(MYH7):c.5645C>T (p.Ala1882Val)

Gene: MYH7 (myosin heavy chain 7; minus strand). Cytogenetic location: 14q11.2.
Variant type: single nucleotide variant.
Coding change: c.5645C>T on transcript NM_000257.4 (MANE Select); coding-DNA position 5645, C replaced by T.
Protein change: p.Ala1882Val; replaces alanine 1882 with valine.
Molecular consequence: missense variant.
Genome position (GRCh38, 1-based): chr14:23,414,017, G>A on the plus strand (C>T on the coding strand, the complement: MYH7 is on the minus strand). VCF-style: chr14-23414017-G-A. GRCh37 (hg19) VCF-style: chr14-23883226-G-A.
Other names: c.5645C>T, p.Ala1882Val (NM_001407004.1); short protein forms A1882V.
Identifiers: ClinVar variation 3069515 (VCV003069515.2), dbSNP rs1595070704, ClinGen allele CA389034792.

ClinVar aggregate classification (germline): Uncertain significance (1 of 4 stars; one submission).

Conditions:
Cardiomyopathy (CMYO). Also called: Cardiomyopathies. Identifiers: Orphanet 167848, MedGen C0878544, MONDO:0004994, HP:0001638. Inheritance: Various modes of inheritance.

Submission:

All of Us Research Program, National Institutes of Health
Classification: Uncertain significance for Cardiomyopathy. Last evaluated: 2024-02-22. Review status: criteria provided, single submitter. Criteria: ACMG Guidelines, 2015. Collection method: clinical testing. Allele origin: germline. Inheritance: Autosomal dominant inheritance. Observed: 2 variant alleles, 2 heterozygotes.
Comment: This missense variant replaces alanine with valine at codon 1882 of the MYH7 protein. Computational prediction suggests that this variant may not impact protein structure and function (internally defined REVEL score threshold <= 0.5, PMID: 27666373). To our knowledge, functional studies have not been reported for this variant. This variant has not been reported in individuals affected with MYH7-related disorders in the literature. This variant has not been identified in the general population by the Genome Aggregation Database (gnomAD). The available evidence is insufficient to determine the role of this variant in disease conclusively. Therefore, this variant is classified as a Variant of Uncertain Significance.

This study involves interpretation of variants in research participants for the purpose of population health screening. Participant phenotype was not available at the time of variant classification. Additional details can be found in publication PMID: 35346344, PMCID: PMC8962531